The following is an entry in ClinVar:

NM_032609.3(COX4I2):c.346G>A (p.Ala116Thr)

Gene: COX4I2 (cytochrome c oxidase subunit 4I2; plus strand). Cytogenetic location: 20q11.21.
Variant type: single nucleotide variant.
Coding change: c.346G>A on transcript NM_032609.3 (MANE Select); coding-DNA position 346, G replaced by A.
Protein change: p.Ala116Thr; replaces alanine 116 with threonine.
Molecular consequence: missense variant.
Genome position (GRCh38, 1-based): chr20:31,643,502, G>A. VCF-style: chr20-31643502-G-A. GRCh37 (hg19) VCF-style: chr20-30231305-G-A.
Other names: short protein forms A116T.
Identifiers: ClinVar variation 1399512 (VCV001399512.8), dbSNP rs752734271, ClinGen allele CA9801949.
Genomic context (GRCh38, chr20:31,643,502, plus strand): 5'-AACCGTCGCTCCAATGAGTGGAAGACAGTGATGGGTTGTGTCTTCTTCTTCATTGGATTC[G>A]CAGCTCTGGTGATTTGGTGGCAGCGGGTCTACGGTGAGTGGCAACACCTCATCTGGCTGC-3'
Protein context (NP_115998.2, residues 106-126): MGCVFFFIGF[Ala116Thr]ALVIWWQRVY

ClinVar aggregate classification (germline): Uncertain significance (1 of 4 stars; one submission).

Allele frequency attached by ClinVar (database versions not stated): gnomAD exomes 0.00004 and 0.00005; TOPMed 0.00004; ExAC 0.00005; gnomAD 0.00006.
gnomAD v4.1: 68 of 1,614,012 alleles (0.0042%); highest among the groups gnomAD compares: Non-Finnish European, 0.0048%; 1 homozygote.

Submission:

Labcorp Genetics (formerly Invitae), Labcorp
Classification: Uncertain significance. Last evaluated: 2025-09-02. Review status: criteria provided, single submitter. Criteria: Invitae Variant Classification Sherloc (09022015). Collection method: clinical testing. Allele origin: germline.
Comment: This sequence change replaces alanine, which is neutral and non-polar, with threonine, which is neutral and polar, at codon 116 of the COX4I2 protein (p.Ala116Thr). This variant is present in population databases (rs752734271, gnomAD 0.007%). This variant has not been reported in the literature in individuals affected with COX4I2-related conditions. ClinVar contains an entry for this variant (Variation ID: 1399512). An algorithm developed to predict the effect of missense changes on protein structure and function outputs the following: PolyPhen-2: "Benign". The threonine amino acid residue is found in multiple mammalian species, which suggests that this missense change does not adversely affect protein function. In summary, the available evidence is currently insufficient to determine the role of this variant in disease. Therefore, it has been classified as a Variant of Uncertain Significance.